The following is an entry in ClinVar:

ClinVar aggregate classification (germline): Uncertain significance (1 of 4 stars; one submission).

Conditions:
STAG1-related disorder. Also called: STAG1-related disorders.

Allele frequency attached by ClinVar (database versions not stated): gnomAD exomes below 0.00001.
gnomAD v4.1: 2 of 1,607,216 alleles (0.00012%); highest among the groups gnomAD compares: South Asian, 0.0011%; no homozygotes.

Submission:

PreventionGenetics, part of Exact Sciences
Classification: Uncertain significance for STAG1-related condition. Last evaluated: 2023-01-27. Review status: criteria provided, single submitter. Criteria: ACMG Guidelines, 2015. Collection method: clinical testing. Allele origin: germline.
Comment: The STAG1 c.1676C>T variant is predicted to result in the amino acid substitution p.Thr559Ile. To our knowledge, this variant has not been reported in the literature. This variant is reported in 0.0034% of alleles in individuals of South Asian descent in gnomAD. At this time, the clinical significance of this variant is uncertain due to the absence of conclusive functional and genetic evidence.

NM_005862.3(STAG1):c.1676C>T (p.Thr559Ile)

Gene: STAG1 (STAG1 cohesin complex component; minus strand). Cytogenetic location: 3q22.3.
Variant type: single nucleotide variant.
Coding change: c.1676C>T on transcript NM_005862.3 (MANE Select); coding-DNA position 1676, C replaced by T.
Protein change: p.Thr559Ile; replaces threonine 559 with isoleucine.
Molecular consequence: missense variant.
Genome position (GRCh38, 1-based): chr3:136,423,019, G>A on the plus strand (C>T on the coding strand, the complement: STAG1 is on the minus strand). VCF-style: chr3-136423019-G-A. GRCh37 (hg19) VCF-style: chr3-136141861-G-A.
Other names: short protein forms T559I.
Identifiers: ClinVar variation 2630368 (VCV002630368.1), dbSNP rs1205051156, ClinGen allele CA354645283.